The following is an entry in ClinVar:

NM_025179.4(PLXNA2):c.1456A>G (p.Met486Val)

Gene: PLXNA2 (plexin A2; minus strand). Cytogenetic location: 1q32.2.
Variant type: single nucleotide variant.
Coding change: c.1456A>G on transcript NM_025179.4 (MANE Select); coding-DNA position 1456, A replaced by G.
Protein change: p.Met486Val; replaces methionine 486 with valine.
Molecular consequence: missense variant.
Genome position (GRCh38, 1-based): chr1:208,142,379, T>C on the plus strand (A>G on the coding strand, the complement: PLXNA2 is on the minus strand). VCF-style: chr1-208142379-T-C. GRCh37 (hg19) VCF-style: chr1-208315724-T-C.
Other names: short protein forms M486V.
Identifiers: ClinVar variation 3346173 (VCV003346173.2).

ClinVar aggregate classification (germline): Uncertain significance (1 of 4 stars; one submission).

Conditions:
PLXNA2-related disorder. Also called: PLXNA2-related condition.

gnomAD v4.1: 1 of 1,613,858 alleles (0.000062%); highest among the groups gnomAD compares: African/African-American, 0.0013%; no homozygotes.

Submission:

PreventionGenetics, part of Exact Sciences
Classification: Uncertain significance for PLXNA2-related condition. Last evaluated: 2025-12-02. Review status: criteria provided, single submitter. Criteria: ACMG Guidelines, 2015. Collection method: clinical testing. Allele origin: germline.
Comment: The PLXNA2 c.1456A>G variant is predicted to result in the amino acid substitution p.Met486Val. To our knowledge, this variant has not been reported in the literature or in a large population database (gnomAD), indicating this variant is rare. At this time, the clinical significance of this variant is uncertain due to the absence of conclusive functional and genetic evidence.